The following is an entry in ClinVar:

ClinVar aggregate classification (germline): Benign. Review status: criteria provided, multiple submitters, no conflicts (2 of 4 stars). 2 submissions from 2 submitters: Benign (2). Last evaluated 2018-06-19.

Allele frequency attached by ClinVar (database versions not stated): gnomAD exomes 0.00434; gnomAD 0.03195 and 0.03419; 1000 Genomes Project 0.03474; 1000 Genomes Project 30x 0.03560; TOPMed 0.03647.
gnomAD v4.1: 7,154 of 664,056 alleles (1.1%); highest among the groups gnomAD compares: African/African-American, 11%; 359 homozygotes.

Submissions (2):

GeneDx
Classification: Benign. Last evaluated: 2018-06-19. Review status: criteria provided, single submitter. Criteria: GeneDx Variant Classification (06012015). Collection method: clinical testing. Allele origin: germline. Affected: yes.
Comment: This variant is considered likely benign or benign based on one or more of the following criteria: it is a conservative change, it occurs at a poorly conserved position in the protein, it is predicted to be benign by multiple in silico algorithms, and/or has population frequency not consistent with disease.

Breakthrough Genomics
Classification: Benign. Review status: criteria provided, single submitter. Criteria: ACMG Guidelines, 2015. Collection method: not provided. Allele origin: germline. Inheritance: Autosomal recessive inheritance. Affected: yes.

NM_001136193.2(FASTKD2):c.2013+151A>C

Gene: FASTKD2 (FAST kinase domains 2; plus strand). Cytogenetic location: 2q33.3.
Variant type: single nucleotide variant.
Coding change: c.2013+151A>C on transcript NM_001136193.2 (MANE Select); 151 bases into the intron after coding-DNA position 2013, A replaced by C.
Molecular consequence: intron variant.
Genome position (GRCh38, 1-based): chr2:206,790,837, A>C. VCF-style: chr2-206790837-A-C. GRCh37 (hg19) VCF-style: chr2-207655561-A-C.
Other names: c.2013+151A>C (NM_001136194.2, NM_014929.4).
Identifiers: ClinVar variation 674120 (VCV000674120.2), dbSNP rs61248541, ClinGen allele CA63729919.